The following is an entry in ClinVar:

ClinVar aggregate classification (germline): Uncertain significance (1 of 4 stars; one submission).

Conditions:
Dilated cardiomyopathy 1HH (CMD1HH). Identifiers: Orphanet 154, MedGen C3151293, MONDO:0013479, OMIM 613881.
Myofibrillar myopathy 6. Identifiers: Orphanet 199340, MedGen C2751831, MONDO:0013061, OMIM 612954.

Submission:

Labcorp Genetics (formerly Invitae), Labcorp
Classification: Uncertain significance for Dilated cardiomyopathy 1HH; Myofibrillar myopathy 6. Last evaluated: 2024-10-21. Review status: criteria provided, single submitter. Criteria: Invitae Variant Classification Sherloc (09022015). Collection method: clinical testing. Allele origin: germline.
Comment: This sequence change replaces threonine, which is neutral and polar, with serine, which is neutral and polar, at codon 307 of the BAG3 protein (p.Thr307Ser). This variant is not present in population databases (gnomAD no frequency). This variant has not been reported in the literature in individuals affected with BAG3-related conditions. Invitae Evidence Modeling of protein sequence and biophysical properties (such as structural, functional, and spatial information, amino acid conservation, physicochemical variation, residue mobility, and thermodynamic stability) indicates that this missense variant is not expected to disrupt BAG3 protein function with a negative predictive value of 80%. In summary, the available evidence is currently insufficient to determine the role of this variant in disease. Therefore, it has been classified as a Variant of Uncertain Significance.

NM_004281.4(BAG3):c.919A>T (p.Thr307Ser)

Gene: BAG3 (BAG cochaperone 3; plus strand). Cytogenetic location: 10q26.11.
Variant type: single nucleotide variant.
Coding change: c.919A>T on transcript NM_004281.4 (MANE Select); coding-DNA position 919, A replaced by T.
Protein change: p.Thr307Ser; replaces threonine 307 with serine.
Molecular consequence: missense variant.
Genome position (GRCh38, 1-based): chr10:119,676,473, A>T. VCF-style: chr10-119676473-A-T. GRCh37 (hg19) VCF-style: chr10-121435985-A-T.
Other names: short protein forms T307S.
Identifiers: ClinVar variation 3758116 (VCV003758116.2).